The following is an entry in ClinVar:

NM_004656.4(BAP1):c.1269_1270del (p.Gly424fs)

Gene: BAP1 (BRCA1 associated deubiquitinase 1; minus strand). Cytogenetic location: 3p21.1.
Variant type: Deletion.
Coding change: c.1269_1270del on transcript NM_004656.4 (MANE Select); coding-DNA positions 1269 to 1270, 2 bases deleted (AG; older notation c.1269_1270delAG).
Protein change: p.Gly424fs; shifts the reading frame from glycine 424.
Molecular consequence: frameshift variant.
Genome position (GRCh38, 1-based): chr3:52,403,875-52,403,876, CT deleted on the plus strand (AG on the coding strand, the reverse complement: BAP1 is on the minus strand). VCF-style (leftmost placement, unchanged base first): chr3-52403874-CCT-C. GRCh37 (hg19) VCF-style: chr3-52437890-CCT-C.
Other names: c.1215_1216del, p.Gly406fs (NM_001410772.1); short protein forms G406fs, G424fs.
Identifiers: ClinVar variation 3224428 (VCV003224428.1), dbSNP rs2471330481, ClinGen allele CA2825001270.

ClinVar aggregate classification (germline): Pathogenic (1 of 4 stars; one submission).

Conditions:
Hereditary cancer-predisposing syndrome. Also called: Tumor predisposition; Hereditary neoplastic syndrome; Hereditary Cancer Syndrome; Neoplastic Syndromes, Hereditary. Identifiers: Orphanet 140162, MedGen C0027672, MeSH D009386, MONDO:0015356.

Submission:

Ambry Genetics
Classification: Pathogenic for Hereditary cancer-predisposing syndrome. Last evaluated: 2024-03-05. Review status: criteria provided, single submitter. Criteria: Ambry Variant Classification Scheme 2023. Collection method: clinical testing. Allele origin: germline.
Comment: The c.1269_1270delAG variant, located in coding exon 13 of the BAP1 gene, results from a deletion of two nucleotides at nucleotide positions 1269 to 1270, causing a translational frameshift with a predicted alternate stop codon (p.G424Efs*10). This variant has been observed in at least one individual with a personal and/or family history that is consistent with BAP1-related tumor predisposition syndrome (Ambry internal data). This variant is considered to be rare based on population cohorts in the Genome Aggregation Database (gnomAD). This alteration is expected to result in loss of function by premature protein truncation or nonsense-mediated mRNA decay. As such, this alteration is interpreted as a disease-causing mutation.